The following is an entry in ClinVar:

ClinVar aggregate classification (germline): Likely benign (0 of 4 stars; one submission).

Conditions:
PLXNA4-related disorder. Also called: PLXNA4-related condition.

Allele frequency attached by ClinVar (database versions not stated): gnomAD exomes below 0.00001.
gnomAD v4.1: 5 of 1,614,200 alleles (0.00031%); highest among the groups gnomAD compares: Non-Finnish European, 0.00034%; no homozygotes.

Submission:

PreventionGenetics, part of Exact Sciences
Classification: Likely benign for PLXNA4-related condition. Last evaluated: 2022-03-18. Review status: no assertion criteria provided. Collection method: clinical testing. Allele origin: germline.
Comment: This variant is classified as likely benign based on ACMG/AMP sequence variant interpretation guidelines (Richards et al. 2015 PMID: 25741868, with internal and published modifications).

NM_020911.2(PLXNA4):c.1371+4359T>C

Gene: PLXNA4 (plexin A4; minus strand). Cytogenetic location: 7q32.3.
Variant type: single nucleotide variant.
Coding change: c.1371+4359T>C on transcript NM_020911.2 (MANE Select); 4359 bases into the intron after coding-DNA position 1371, T replaced by C.
Molecular consequence: intron variant. On other transcripts: synonymous variant (1).
Genome position (GRCh38, 1-based): chr7:132,484,933, A>G on the plus strand (T>C on the coding strand, the complement: PLXNA4 is on the minus strand). VCF-style: chr7-132484933-A-G. GRCh37 (hg19) VCF-style: chr7-132169692-A-G.
Other names: c.1452T>C, p.Ala484= (NM_181775.4); c.1371+4359T>C (NM_001393897.1, NM_001105543.2).
Identifiers: ClinVar variation 3054700 (VCV003054700.2), dbSNP rs1023873239, ClinGen allele CA167314424.